The following is an entry in ClinVar:

ClinVar aggregate classification (germline): Uncertain significance. Review status: criteria provided, multiple submitters, no conflicts (2 of 4 stars). 5 submissions from 5 submitters: Uncertain significance (5). Last evaluated 2026-04-20.

Conditions:
TTN-related disorder. Also called: TTN-related condition; TTN-related disease; TTN-related disorders.

Allele frequency attached by ClinVar (database versions not stated): gnomAD exomes 0.00001; ExAC 0.00002; gnomAD 0.00003; TOPMed 0.00003; ESP Exome Variant Server 0.00008.
gnomAD v4.1: 29 of 1,611,456 alleles (0.0018%); highest among the groups gnomAD compares: Middle Eastern, 0.033%; no homozygotes.

Submissions (5):

PreventionGenetics, part of Exact Sciences
Classification: Uncertain significance for TTN-related condition. Last evaluated: 2026-04-20. Review status: criteria provided, single submitter. Criteria: ACMG Guidelines, 2015. Collection method: clinical testing. Allele origin: germline.
Comment: The TTN c.68525T>C variant is predicted to result in the amino acid substitution p.Ile22842Thr. This variant has been reported in a skeletal myopathy cohort (Savarese et al. 2020. PubMed ID: 32039858). This variant is reported in 0.0029% of alleles in individuals of Latino descent in gnomAD. At this time, the clinical significance of this variant is uncertain due to the absence of conclusive functional and genetic evidence.

Revvity Omics, Revvity
Classification: Uncertain significance. Last evaluated: 2023-02-17. Review status: criteria provided, single submitter. Criteria: ACMG Guidelines, 2015. Collection method: clinical testing. Allele origin: germline.

Eurofins Ntd Llc (ga)
Classification: Uncertain significance. Last evaluated: 2017-06-20. Review status: criteria provided, single submitter. Criteria: EGL Classification Definitions 2015. Collection method: clinical testing. Allele origin: germline. Observed: 2 variant alleles, 2 heterozygotes.

GeneDx
Classification: Uncertain significance. Last evaluated: 2013-11-01. Review status: criteria provided, single submitter. Criteria: GeneDx Variant Classification (06012015). Collection method: clinical testing. Allele origin: germline. Affected: yes.
Comment: The Ile21201Thr variant in the TTN gene has not been reported as a disease-causing mutation or as a benign polymorphism, to our knowledge. Ile21201Thr results in a non-conservative amino acid substitution of a non-polar Isoleucine with a polar Threonine at a position that is conserved across species. In silico analysis predicts Ile21201Thr is damaging to the protein structure/function. Furthermore, the Ile21201Thr variant was not observed with any significant frequency in approximately 6,000 individuals of European and African American ancestry in the NHLBI Exome Sequencing Project, indicating that is is not a common benign variant in these populations. Ile21201Thr is located in the A-band region of titin. The majority of mutations in the TTN gene are truncating mutations and these are located in the A-band region of titin (Herman D et al., 2012). The variant is found in TTN panel(s).

Laboratory for Molecular Medicine, Mass General Brigham Personalized Medicine
Classification: Uncertain significance. Last evaluated: 2012-06-30. Review status: criteria provided, single submitter. Criteria: LMM Criteria. Collection method: clinical testing. Allele origin: germline. Observed: 1 variant allele.
Comment: The Ile20274Thr variant in TTN has not been reported in the literature nor previ ously identified by our laboratory. This variant has been identified in 1/8218 E uropean American chromosomes from a broad population screened by the NHLBI Exome Sequencing Project. Computational analyses (biochemical amino acid properties, conservation, AlignGVGD, PolyPhen2, and SIFT ) suggest that the Ile20274Thr variant may impact the protein, though this infor mation is not predictive enough to determine pathogenicity. This variant affect s the third to last base of the exon, which is part of the splice consensus sequ ence but splice prediction tools do not predict an impact (their accuracy is unk nown). Additional information is needed to fully assess the clinical significanc e of the Ile20274Thr variant.

NM_001267550.2(TTN):c.68525T>C (p.Ile22842Thr)

Genes: TTN (titin; minus strand), TTN-AS1 (TTN antisense RNA 1; plus strand). Cytogenetic location: 2q31.2.
Variant type: single nucleotide variant.
Coding change: c.68525T>C on transcript NM_001267550.2 (MANE Select); coding-DNA position 68525, T replaced by C.
Protein change: p.Ile22842Thr; replaces isoleucine 22842 with threonine.
Molecular consequence: missense variant.
Genome position (GRCh38, 1-based): chr2:178,577,990, A>G on the plus strand (T>C on the coding strand, the complement: TTN is on the minus strand). VCF-style: chr2-178577990-A-G. GRCh37 (hg19) VCF-style: chr2-179442717-A-G.
Other names: p.I21201T:ATT>ACT; c.63602T>C, p.Ile21201Thr (NM_001256850.1); c.60821T>C, p.Ile20274Thr (NM_133378.4); c.41330T>C, p.Ile13777Thr (NM_003319.4); c.41705T>C, p.Ile13902Thr (NM_133432.3); c.41906T>C, p.Ile13969Thr (NM_133437.4); short protein forms I22842T, I20274T, I21201T, I13969T, I13777T, I13902T.
Identifiers: ClinVar variation 47269 (VCV000047269.12), dbSNP rs368301580, ClinGen allele CA140524.